The following is an entry in ClinVar:

ClinVar aggregate classification (germline): Uncertain significance. Review status: criteria provided, multiple submitters, no conflicts (2 of 4 stars). 2 submissions from 2 submitters: Uncertain significance (2). Last evaluated 2022-12-05.

Conditions:
Inborn genetic diseases. Identifiers: MedGen C0950123, MeSH D030342.

Allele frequency attached by ClinVar (database versions not stated): TOPMed 0.00003; gnomAD 0.00005; gnomAD exomes 0.00007; ESP Exome Variant Server 0.00008; ExAC 0.00015; 1000 Genomes Project 0.00060; 1000 Genomes Project 30x 0.00078.
gnomAD v4.1: 106 of 1,613,974 alleles (0.0066%); highest among the groups gnomAD compares: South Asian, 0.069%; no homozygotes.

Submissions (2):

Ambry Genetics
Classification: Uncertain significance for Inborn genetic diseases. Last evaluated: 2022-12-05. Review status: criteria provided, single submitter. Criteria: Ambry Variant Classification Scheme 2023. Collection method: clinical testing. Allele origin: germline.

Labcorp Genetics (formerly Invitae), Labcorp
Classification: Uncertain significance. Last evaluated: 2022-09-12. Review status: criteria provided, single submitter. Criteria: Invitae Variant Classification Sherloc (09022015). Collection method: clinical testing. Allele origin: germline.
Comment: This sequence change replaces asparagine, which is neutral and polar, with serine, which is neutral and polar, at codon 697 of the VPS13A protein (p.Asn697Ser). This variant is present in population databases (rs141249210, gnomAD 0.08%). This variant has not been reported in the literature in individuals affected with VPS13A-related conditions. Algorithms developed to predict the effect of missense changes on protein structure and function output the following: SIFT: "Tolerated"; PolyPhen-2: "Benign"; Align-GVGD: "Class C0". The serine amino acid residue is found in multiple mammalian species, which suggests that this missense change does not adversely affect protein function. In summary, the available evidence is currently insufficient to determine the role of this variant in disease. Therefore, it has been classified as a Variant of Uncertain Significance.

NM_033305.3(VPS13A):c.2090A>G (p.Asn697Ser)

Gene: VPS13A (vacuolar protein sorting 13 homolog A; plus strand). Cytogenetic location: 9q21.2.
Variant type: single nucleotide variant.
Coding change: c.2090A>G on transcript NM_033305.3 (MANE Select); coding-DNA position 2090, A replaced by G.
Protein change: p.Asn697Ser; replaces asparagine 697 with serine.
Molecular consequence: missense variant.
Genome position (GRCh38, 1-based): chr9:77,250,149, A>G. VCF-style: chr9-77250149-A-G. GRCh37 (hg19) VCF-style: chr9-79865065-A-G.
Other names: c.2090A>G, p.Asn697Ser (NM_001018037.2, NM_001018038.3, NM_015186.4); c.2090A>G (NM_033305.2); short protein forms N697S.
Identifiers: ClinVar variation 2366232 (VCV002366232.5), dbSNP rs141249210, ClinGen allele CA5091854.